The following is an entry in ClinVar:

NM_032447.5(FBN3):c.3658C>T (p.Arg1220Cys)

Gene: FBN3 (fibrillin 3; minus strand). Cytogenetic location: 19p13.2.
Variant type: single nucleotide variant.
Coding change: c.3658C>T on transcript NM_032447.5 (MANE Select); coding-DNA position 3658, C replaced by T.
Protein change: p.Arg1220Cys; replaces arginine 1220 with cysteine.
Molecular consequence: missense variant.
Genome position (GRCh38, 1-based): chr19:8,116,728, G>A on the plus strand (C>T on the coding strand, the complement: FBN3 is on the minus strand). VCF-style: chr19-8116728-G-A. GRCh37 (hg19) VCF-style: chr19-8181612-G-A.
Other names: c.3658C>T (NM_032447.3); c.3658C>T, p.Arg1220Cys (NM_001321431.2); short protein forms R1220C.
Identifiers: ClinVar variation 2159939 (VCV002159939.5), dbSNP rs199643297, ClinGen allele CA9152372.

ClinVar aggregate classification (germline): Uncertain significance. Review status: criteria provided, multiple submitters, no conflicts (2 of 4 stars). 2 submissions from 2 submitters: Uncertain significance (2). Last evaluated 2026-01-05.

Allele frequency attached by ClinVar (database versions not stated): TOPMed below 0.00001; ExAC 0.00002; gnomAD 0.00003; 1000 Genomes Project 0.00040; 1000 Genomes Project 30x 0.00062.
gnomAD v4.1: 26 of 1,613,992 alleles (0.0016%); highest among the groups gnomAD compares: Admixed American, 0.015%; no homozygotes.

Submissions (2):

Labcorp Genetics (formerly Invitae), Labcorp
Classification: Uncertain significance. Last evaluated: 2026-01-05. Review status: criteria provided, single submitter. Criteria: Invitae Variant Classification Sherloc (09022015). Collection method: clinical testing. Allele origin: germline.
Comment: This sequence change replaces arginine, which is basic and polar, with cysteine, which is neutral and slightly polar, at codon 1220 of the FBN3 protein (p.Arg1220Cys). This variant is present in population databases (rs199643297, gnomAD 0.03%). This variant has not been reported in the literature in individuals affected with FBN3-related conditions. ClinVar contains an entry for this variant (Variation ID: 2159939). Invitae Evidence Modeling of protein sequence and biophysical properties (such as structural, functional, and spatial information, amino acid conservation, physicochemical variation, residue mobility, and thermodynamic stability) indicates that this missense variant is not expected to disrupt FBN3 protein function with a negative predictive value of 80%. In summary, the available evidence is currently insufficient to determine the role of this variant in disease. Therefore, it has been classified as a Variant of Uncertain Significance.

Ambry Genetics
Classification: Uncertain significance. Last evaluated: 2021-10-29. Review status: criteria provided, single submitter. Criteria: Ambry Variant Classification Scheme 2023. Collection method: clinical testing. Allele origin: germline.